The following is an entry in ClinVar:

NM_003384.3(VRK1):c.1106G>C (p.Gly369Ala)

Gene: VRK1 (VRK serine/threonine kinase 1; plus strand). Cytogenetic location: 14q32.2.
Variant type: single nucleotide variant.
Coding change: c.1106G>C on transcript NM_003384.3 (MANE Select); coding-DNA position 1106, G replaced by C.
Protein change: p.Gly369Ala; replaces glycine 369 with alanine.
Molecular consequence: missense variant.
Genome position (GRCh38, 1-based): chr14:96,876,067, G>C. VCF-style: chr14-96876067-G-C. GRCh37 (hg19) VCF-style: chr14-97342404-G-C.
Other names: short protein forms G369A.
Identifiers: ClinVar variation 571052 (VCV000571052.10), dbSNP rs1168205465, ClinGen allele CA390932435.

ClinVar aggregate classification (germline): Uncertain significance (1 of 4 stars; one submission).

Conditions:
Pontocerebellar hypoplasia type 1A (PCH1A). Also called: PONTOCEREBELLAR HYPOPLASIA WITH ANTERIOR HORN CELL DISEASE; PONTOCEREBELLAR HYPOPLASIA WITH INFANTILE SPINAL MUSCULAR ATROPHY. Identifiers: Orphanet 2254, Orphanet 88616, MedGen C1843504, MONDO:0011866, OMIM 607596.

Submission:

Labcorp Genetics (formerly Invitae), Labcorp
Classification: Uncertain significance for Pontocerebellar hypoplasia type 1A. Last evaluated: 2018-04-03. Review status: criteria provided, single submitter. Criteria: Invitae Variant Classification Sherloc (09022015). Collection method: clinical testing. Allele origin: germline.
Comment: This sequence change replaces glycine with alanine at codon 369 of the VRK1 protein (p.Gly369Ala). The glycine residue is weakly conserved and there is a small physicochemical difference between glycine and alanine. In summary, the available evidence is currently insufficient to determine the role of this variant in disease. Therefore, it has been classified as a Variant of Uncertain Significance. Algorithms developed to predict the effect of missense changes on protein structure and function output the following: SIFT: "Tolerated"; PolyPhen-2: "Benign"; Align-GVGD: "Class C0". The alanine amino acid residue is found in multiple mammalian species, suggesting that this missense change does not adversely affect protein function. These predictions have not been confirmed by published functional studies and their clinical significance is uncertain. This variant has not been reported in the literature in individuals with VRK1-related disease. This variant is not present in population databases (ExAC no frequency).